The following is an entry in ClinVar:

ClinVar aggregate classification (germline): Uncertain significance (1 of 4 stars; one submission).

Submission:

Labcorp Genetics (formerly Invitae), Labcorp
Classification: Uncertain significance. Last evaluated: 2024-09-02. Review status: criteria provided, single submitter. Criteria: Invitae Variant Classification Sherloc (09022015). Collection method: clinical testing. Allele origin: germline.
Comment: This sequence change replaces serine, which is neutral and polar, with leucine, which is neutral and non-polar, at codon 773 of the IL6ST protein (p.Ser773Leu). This variant is not present in population databases (gnomAD no frequency). This variant has not been reported in the literature in individuals affected with IL6ST-related conditions. An algorithm developed to predict the effect of missense changes on protein structure and function (PolyPhen-2) suggests that this variant is likely to be tolerated. In summary, the available evidence is currently insufficient to determine the role of this variant in disease. Therefore, it has been classified as a Variant of Uncertain Significance.

NM_002184.4(IL6ST):c.2318C>T (p.Ser773Leu)

Gene: IL6ST (interleukin 6 cytokine family signal transducer; minus strand). Cytogenetic location: 5q11.2.
Variant type: single nucleotide variant.
Coding change: c.2318C>T on transcript NM_002184.4 (MANE Select); coding-DNA position 2318, C replaced by T.
Protein change: p.Ser773Leu; replaces serine 773 with leucine.
Molecular consequence: missense variant. On other transcripts: 3 prime UTR variant (1), non-coding transcript variant (2).
Genome position (GRCh38, 1-based): chr5:55,941,521, G>A on the plus strand (C>T on the coding strand, the complement: IL6ST is on the minus strand). VCF-style: chr5-55941521-G-A. GRCh37 (hg19) VCF-style: chr5-55237349-G-A.
Other names: c.2135C>T, p.Ser712Leu (NM_001190981.2); c.2216C>T, p.Ser739Leu (NM_001364275.2); c.2108C>T, p.Ser703Leu (NM_001364276.2); c.1451C>T, p.Ser484Leu (NM_001364277.2); c.1415C>T, p.Ser472Leu (NM_001364278.2); c.1322C>T, p.Ser441Leu (NM_001364279.2); c.*1245C>T (NM_175767.3); short protein forms S484L, S703L, S773L, S441L, S472L, S712L, S739L.
Identifiers: ClinVar variation 3693153 (VCV003693153.2).